The following is an entry in ClinVar:

NM_013245.3(VPS4A):c.711T>C (p.Asn237=)

Gene: VPS4A (vacuolar protein sorting 4 homolog A; plus strand). Cytogenetic location: 16q22.1.
Variant type: single nucleotide variant.
Coding change: c.711T>C on transcript NM_013245.3 (MANE Select); coding-DNA position 711, T replaced by C.
Protein change: p.Asn237=; no amino-acid change (asparagine 237 retained).
Molecular consequence: synonymous variant.
Genome position (GRCh38, 1-based): chr16:69,320,231, T>C. VCF-style: chr16-69320231-T-C. GRCh37 (hg19) VCF-style: chr16-69354134-T-C.
Identifiers: ClinVar variation 2646670 (VCV002646670.24), dbSNP rs2544552316, ClinGen allele CA496159548.

ClinVar aggregate classification (germline): Likely benign (1 of 4 stars; one submission).

Submission:

CeGaT Center for Human Genetics Tuebingen
Classification: Likely benign. Last evaluated: 2022-04-01. Review status: criteria provided, single submitter. Criteria: CeGaT Center For Human Genetics Tuebingen Variant Classification Criteria Version 2. Collection method: clinical testing. Allele origin: germline. Affected: yes. Observed: 1 variant allele.
Comment: VPS4A: PM2:Supporting, BP4, BP7